The following is an entry in ClinVar:

ClinVar aggregate classification (germline): Uncertain significance. Review status: criteria provided, multiple submitters, no conflicts (2 of 4 stars). 2 submissions from 2 submitters: Uncertain significance (2). Last evaluated 2025-11-26.

Allele frequency attached by ClinVar (database versions not stated): gnomAD 0.00001 and 0.00002; TOPMed 0.00002.
gnomAD v4.1: 49 of 1,387,218 alleles (0.0035%); highest among the groups gnomAD compares: Non-Finnish European, 0.0043%; no homozygotes.

Submissions (2):

Ambry Genetics
Classification: Uncertain significance. Last evaluated: 2025-11-26. Review status: criteria provided, single submitter. Criteria: Ambry Variant Classification Scheme 2023. Collection method: clinical testing. Allele origin: germline.

Labcorp Genetics (formerly Invitae), Labcorp
Classification: Uncertain significance. Last evaluated: 2025-01-14. Review status: criteria provided, single submitter. Criteria: Invitae Variant Classification Sherloc (09022015). Collection method: clinical testing. Allele origin: germline.
Comment: This sequence change replaces proline, which is neutral and non-polar, with arginine, which is basic and polar, at codon 84 of the DMRT2 protein (p.Pro84Arg). This variant is present in population databases (no rsID available, gnomAD 0.007%). This variant has not been reported in the literature in individuals affected with DMRT2-related conditions. ClinVar contains an entry for this variant (Variation ID: 1392010). An algorithm developed to predict the effect of missense changes on protein structure and function (PolyPhen-2) suggests that this variant is likely to be tolerated. In summary, the available evidence is currently insufficient to determine the role of this variant in disease. Therefore, it has been classified as a Variant of Uncertain Significance.

NM_181872.6(DMRT2):c.251C>G (p.Pro84Arg)

Gene: DMRT2 (doublesex and mab-3 related transcription factor 2; plus strand). Cytogenetic location: 9p24.3.
Variant type: single nucleotide variant.
Coding change: c.251C>G on transcript NM_181872.6 (MANE Select); coding-DNA position 251, C replaced by G.
Protein change: p.Pro84Arg; replaces proline 84 with arginine.
Molecular consequence: missense variant. On other transcripts: 5 prime UTR variant (1), non-coding transcript variant (1).
Genome position (GRCh38, 1-based): chr9:1,051,864, C>G. VCF-style: chr9-1051864-C-G. GRCh37 (hg19) VCF-style: chr9-1051864-C-G.
Other names: c.251C>G, p.Pro84Arg (NM_001130865.3, NM_001370531.1, NM_001370533.1 and 4 more transcripts); c.-400C>G (NM_001370532.1); c.251C>G (NM_181872.4); short protein forms P84R.
Identifiers: ClinVar variation 1392010 (VCV001392010.8), dbSNP rs1285784013, ClinGen allele CA372773327.